The following is an entry in ClinVar:

ClinVar aggregate classification (germline): Conflicting classifications of pathogenicity. Review status: criteria provided, conflicting classifications (1 of 4 stars). 2 submissions from 2 submitters: Uncertain significance (1); Likely benign (1). Last evaluated 2026-02-06.

Conditions:
Chuvash polycythemia. Also called: POLYCYTHEMIA, VHL-DEPENDENT. Identifiers: Orphanet 238557, MedGen C1837915, MONDO:0009892, OMIM 263400.
Von Hippel-Lindau syndrome (VHLS). Also called: VHL syndrome; Von Hippel-Lindau; von Hippel–Lindau syndrome. Identifiers: Orphanet 892, MedGen C0019562, MONDO:0008667, OMIM 193300. Disease mechanism: loss of function.
Hereditary cancer-predisposing syndrome. Also called: Hereditary Cancer Syndrome; Neoplastic Syndromes, Hereditary; Tumor predisposition; Hereditary neoplastic syndrome. Identifiers: Orphanet 140162, MedGen C0027672, MeSH D009386, MONDO:0015356.

Submissions (2):

Ambry Genetics
Classification: Likely benign for Hereditary cancer-predisposing syndrome. Last evaluated: 2026-02-06. Review status: criteria provided, single submitter. Criteria: Ambry Variant Classification Scheme 2023. Collection method: clinical testing. Allele origin: germline.

Labcorp Genetics (formerly Invitae), Labcorp
Classification: Uncertain significance for Von Hippel-Lindau syndrome; Chuvash polycythemia. Last evaluated: 2023-01-06. Review status: criteria provided, single submitter. Criteria: Invitae Variant Classification Sherloc (09022015). Collection method: clinical testing. Allele origin: germline.
Comment: In summary, the available evidence is currently insufficient to determine the role of this variant in disease. Therefore, it has been classified as a Variant of Uncertain Significance. Advanced modeling of protein sequence and biophysical properties (such as structural, functional, and spatial information, amino acid conservation, physicochemical variation, residue mobility, and thermodynamic stability) performed at Invitae indicates that this missense variant is not expected to disrupt VHL protein function. ClinVar contains an entry for this variant (Variation ID: 1002447). This variant has not been reported in the literature in individuals affected with VHL-related conditions. This variant is not present in population databases (gnomAD no frequency). This sequence change replaces asparagine, which is neutral and polar, with serine, which is neutral and polar, at codon 7 of the VHL protein (p.Asn7Ser).

NM_000551.4(VHL):c.20A>G (p.Asn7Ser)

Gene: VHL (von Hippel-Lindau tumor suppressor; plus strand). Cytogenetic location: 3p25.3.
Variant type: single nucleotide variant.
Coding change: c.20A>G on transcript NM_000551.4 (MANE Select); coding-DNA position 20, A replaced by G.
Protein change: p.Asn7Ser; replaces asparagine 7 with serine.
Molecular consequence: missense variant.
Genome position (GRCh38, 1-based): chr3:10,141,867, A>G. VCF-style: chr3-10141867-A-G. GRCh37 (hg19) VCF-style: chr3-10183551-A-G.
Other names: c.20A>G, p.Asn7Ser (NM_001354723.2, NM_198156.3); short protein forms N7S.
Identifiers: ClinVar variation 1002447 (VCV001002447.13), dbSNP rs1575920892, ClinGen allele CA351747048.